The following is an entry in ClinVar:

ClinVar aggregate classification (germline): Uncertain significance (1 of 4 stars; one submission).

Conditions:
Long QT syndrome (LQTS). Identifiers: MedGen C0023976, MeSH D008133, MONDO:0002442. Disease mechanism: loss of function. Inheritance: Various modes of inheritance.

gnomAD v4.1: 1 of 1,600,334 alleles (0.000062%); highest among the groups gnomAD compares: Non-Finnish European, 0.000085%; no homozygotes.

Submission:

Labcorp Genetics (formerly Invitae), Labcorp
Classification: Uncertain significance for Long QT syndrome. Last evaluated: 2024-02-20. Review status: criteria provided, single submitter. Criteria: Invitae Variant Classification Sherloc (09022015). Collection method: clinical testing. Allele origin: germline.
Comment: This sequence change replaces phenylalanine, which is neutral and non-polar, with leucine, which is neutral and non-polar, at codon 98 of the KCNH2 protein (p.Phe98Leu). This variant is not present in population databases (gnomAD no frequency). This variant has not been reported in the literature in individuals affected with KCNH2-related conditions. An algorithm developed to predict the effect of missense changes on protein structure and function (PolyPhen-2) suggests that this variant is likely to be tolerated. Experimental studies are conflicting or provide insufficient evidence to determine the effect of this variant on KCNH2 function (PMID: 35688148). In summary, the available evidence is currently insufficient to determine the role of this variant in disease. Therefore, it has been classified as a Variant of Uncertain Significance.

Literature cited by the submitters: PubMed 35688148.

NM_000238.4(KCNH2):c.294C>A (p.Phe98Leu)

Gene: KCNH2 (potassium voltage-gated channel subfamily H member 2; minus strand). Cytogenetic location: 7q36.1.
Variant type: single nucleotide variant.
Coding change: c.294C>A on transcript NM_000238.4 (MANE Select); coding-DNA position 294, C replaced by A.
Protein change: p.Phe98Leu; replaces phenylalanine 98 with leucine.
Molecular consequence: missense variant. On other transcripts: non-coding transcript variant (1).
Genome position (GRCh38, 1-based): chr7:150,974,724, G>T on the plus strand (C>A on the coding strand, the complement: KCNH2 is on the minus strand). VCF-style: chr7-150974724-G-T. GRCh37 (hg19) VCF-style: chr7-150671812-G-T.
Other names: c.117C>A, p.Phe39Leu (NM_001406755.1); c.294C>A, p.Phe98Leu (NM_172056.3); short protein forms F98L, F39L.
Identifiers: ClinVar variation 3695066 (VCV003695066.2).
Genomic context (GRCh38, chr7:150,974,724, plus strand): 5'-CTCTTGACCCCGCCCCTGGTCGTGGCCCCGCCCCGGCCCGCTCCTACCATCTTTCCGGTA[G>T]AAGGCGATTTCCACTTTGCGCTCCTCGGCGCCCAGCAGTGCCTGCGCGATCTGCGCGGCA-3'
Protein context (NP_000229.1, residues 88-108): GAEERKVEIA[Phe98Leu]YRKDGSCFLC